The following is an entry in ClinVar:

NM_001367624.2(ZNF469):c.9088G>T (p.Gly3030Cys)

Gene: ZNF469 (zinc finger protein 469; plus strand). Cytogenetic location: 16q24.2.
Variant type: single nucleotide variant.
Coding change: c.9088G>T on transcript NM_001367624.2 (MANE Select); coding-DNA position 9088, G replaced by T.
Protein change: p.Gly3030Cys; replaces glycine 3030 with cysteine.
Molecular consequence: missense variant.
Genome position (GRCh38, 1-based): chr16:88,436,558, G>T. VCF-style: chr16-88436558-G-T. GRCh37 (hg19) VCF-style: chr16-88502966-G-T.
Other names: NM_001127464.1:c.9004G>T; short protein forms G3030C.
Identifiers: ClinVar variation 1374731 (VCV001374731.7), dbSNP rs773580012, ClinGen allele CA397120653.

ClinVar aggregate classification (germline): Uncertain significance. Review status: criteria provided, multiple submitters, no conflicts (2 of 4 stars). 2 submissions from 2 submitters: Uncertain significance (2). Last evaluated 2024-01-27.

Conditions:
Cardiovascular phenotype. Identifiers: MedGen CN230736.

gnomAD v4.1: 12 of 1,549,764 alleles (0.00077%); highest among the groups gnomAD compares: Non-Finnish European, 0.001%; no homozygotes.

Submissions (2):

Ambry Genetics
Classification: Uncertain significance for Cardiovascular phenotype. Last evaluated: 2024-01-27. Review status: criteria provided, single submitter. Criteria: Ambry Variant Classification Scheme 2023. Collection method: clinical testing. Allele origin: germline.
Comment: The p.G3002C variant (also known as c.9004G>T), located in coding exon 2 of the ZNF469 gene, results from a G to T substitution at nucleotide position 9004. The glycine at codon 3002 is replaced by cysteine, an amino acid with highly dissimilar properties. This amino acid position is conserved. In addition, this alteration is predicted to be tolerated by in silico analysis. Based on the available evidence, the clinical significance of this alteration remains unclear.

Labcorp Genetics (formerly Invitae), Labcorp
Classification: Uncertain significance. Last evaluated: 2022-11-08. Review status: criteria provided, single submitter. Criteria: Invitae Variant Classification Sherloc (09022015). Collection method: clinical testing. Allele origin: germline.
Comment: In summary, the available evidence is currently insufficient to determine the role of this variant in disease. Therefore, it has been classified as a Variant of Uncertain Significance. Algorithms developed to predict the effect of missense changes on protein structure and function output the following: SIFT: "Deleterious"; PolyPhen-2: "Benign"; Align-GVGD: "Class C0". The cysteine amino acid residue is found in multiple mammalian species, which suggests that this missense change does not adversely affect protein function. ClinVar contains an entry for this variant (Variation ID: 1374731). This variant has not been reported in the literature in individuals affected with ZNF469-related conditions. This variant is present in population databases (no rsID available, gnomAD 0.002%). This sequence change replaces glycine, which is neutral and non-polar, with cysteine, which is neutral and slightly polar, at codon 3002 of the ZNF469 protein (p.Gly3002Cys).